The following is an entry in ClinVar:

ClinVar aggregate classification (germline): Pathogenic/Likely pathogenic. Review status: criteria provided, multiple submitters, no conflicts (2 of 4 stars). 5 submissions from 5 submitters: Pathogenic (4); Likely pathogenic (1). Last evaluated 2025-12-29.

Conditions:
Marfan syndrome (MFS). Also called: Marfan syndrome, classic; FBN1-Related Marfan Syndrome; Marfan syndrome type 1; Marfan's syndrome; MARFAN SYNDROME, TYPE I. Identifiers: Orphanet 284963, Orphanet 558, MedGen C0024796, MONDO:0007947, OMIM 154700.
Familial thoracic aortic aneurysm and aortic dissection (TAAD). Also called: Thoracic aortic aneurysms and dissections. Identifiers: Orphanet 91387, MedGen C4707243, MONDO:0019625.

Submissions (5):

Labcorp Genetics (formerly Invitae), Labcorp
Classification: Pathogenic for Marfan syndrome; Familial thoracic aortic aneurysm and aortic dissection. Last evaluated: 2025-12-29. Review status: criteria provided, single submitter. Criteria: Invitae Variant Classification Sherloc (09022015). Collection method: clinical testing. Allele origin: germline.
Comment: This sequence change affects an acceptor splice site in intron 35 of the FBN1 gene. It is expected to disrupt RNA splicing. Variants that disrupt the donor or acceptor splice site typically lead to a loss of protein function (PMID: 16199547), and loss-of-function variants in FBN1 are known to be pathogenic (PMID: 17657824, 19293843). This variant is not present in population databases (gnomAD no frequency). Disruption of this splice site has been observed in individuals with Marfan syndrome (PMID: 17657824, 21907952). ClinVar contains an entry for this variant (Variation ID: 200034). Algorithms developed to predict the effect of sequence changes on RNA splicing suggest that this variant may disrupt the consensus splice site. For these reasons, this variant has been classified as Pathogenic.

Department of Pathology and Laboratory Medicine, Sinai Health System
Classification: Pathogenic for familial thoracic aortic aneurysm and aortic dissection. Last evaluated: 2021-05-10. Review status: criteria provided, single submitter. Criteria: ACMG Guidelines, 2015. Collection method: clinical testing. Allele origin: germline.

Ambry Genetics
Classification: Pathogenic for Familial thoracic aortic aneurysm and aortic dissection. Last evaluated: 2016-12-14. Review status: criteria provided, single submitter. Criteria: Ambry Variant Classification Scheme 2023. Collection method: clinical testing. Allele origin: germline.
Comment: The c.4337-2A>G intronic pathogenic mutation results from an A to G substitution two nucleotides upstream from coding exon 35 in the FBN1 gene. This mutation has been previously reported in an individual meeting Ghent criteria for Marfan syndrome (Baudhuin LM et al. J. Hum. Genet. 2015;60(5):241-52). In addition to the clinical data presented in the literature, alterations that disrupt the canonical splice site are expected to cause aberrant splicing, resulting in an abnormal protein or a transcript that is subject to nonsense-mediated mRNA decay. As such, this alteration is classified as a disease-causing mutation.

Center for Human Genetics, Inc
Classification: Likely pathogenic for Marfan syndrome. Last evaluated: 2016-11-01. Review status: criteria provided, single submitter. Criteria: ACMG Guidelines, 2015. Collection method: clinical testing. Allele origin: germline. Affected: yes.

GeneDx
Classification: Pathogenic. Last evaluated: 2013-06-14. Review status: criteria provided, single submitter. Criteria: GeneDx Variant Classification (06012015). Collection method: clinical testing. Allele origin: germline. Affected: yes.
Comment: c.4337-2 A>G: IVS35-2 A>G in intron 35 of the FBN1 gene (NM_000138.4)Although the c.4337-2 A>G mutation has not been reported as a disease-causing mutation or as a benign polymorphism to our knowledge, this mutation destroys the canonical splice acceptor site in intron 35 and is predicted to cause abnormal gene splicing. The mutation is predicted to lead to either an abnormal message that is subject to nonsense-mediated mRNA decay, or to an abnormal protein product if the message is used for protein translation. Other splice site mutations in the FBN1 gene have been reported in association with Marfan syndrome.In summary, c.4337-2 A>G in the FBN1 gene is interpreted as a disease-causing mutation. The variant is found in TAAD panel(s).

Literature cited by the submitters: PubMed 16199547 (cited by Labcorp Genetics (formerly Invitae), Labcorp); PubMed 17657824 (cited by Labcorp Genetics (formerly Invitae), Labcorp and Ambry Genetics); PubMed 19293843 (cited by Labcorp Genetics (formerly Invitae), Labcorp); PubMed 21907952 (cited by Labcorp Genetics (formerly Invitae), Labcorp and Ambry Genetics); PubMed 25101912 (cited by Department of Pathology and Laboratory Medicine, Sinai Health System and Ambry Genetics); PubMed 25652356 (cited by Ambry Genetics).

NM_000138.5(FBN1):c.4337-2A>G

Gene: FBN1 (fibrillin 1; minus strand). Cytogenetic location: 15q21.1.
Variant type: single nucleotide variant.
Coding change: c.4337-2A>G on transcript NM_000138.5 (MANE Select); the canonical splice acceptor site of the intron before coding-DNA position 4337, A replaced by G.
Molecular consequence: splice acceptor variant.
Genome position (GRCh38, 1-based): chr15:48,470,758, T>C on the plus strand (A>G on the coding strand, the complement: FBN1 is on the minus strand). VCF-style: chr15-48470758-T-C. GRCh37 (hg19) VCF-style: chr15-48762955-T-C.
Other names: c.4337-2A>G (NM_001406716.1).
Identifiers: ClinVar variation 200034 (VCV000200034.10), dbSNP rs794728216, ClinGen allele CA014969.